The following is an entry in ClinVar:

NM_005356.5(LCK):c.587G>C (p.Arg196Pro)

Gene: LCK (LCK proto-oncogene, Src family tyrosine kinase; plus strand). Cytogenetic location: 1p35.2.
Variant type: single nucleotide variant.
Coding change: c.587G>C on transcript NM_005356.5 (MANE Select); coding-DNA position 587, G replaced by C.
Protein change: p.Arg196Pro; replaces arginine 196 with proline.
Molecular consequence: missense variant.
Genome position (GRCh38, 1-based): chr1:32,276,019, G>C. VCF-style: chr1-32276019-G-C. GRCh37 (hg19) VCF-style: chr1-32741620-G-C.
Other names: c.587G>C, p.Arg196Pro (NM_001042771.3, NM_001330468.2); c.587G>C (NM_005356.3); short protein forms R196P.
Identifiers: ClinVar variation 2194065 (VCV002194065.4), dbSNP rs1640256111, ClinGen allele CA339638125.

ClinVar aggregate classification (germline): Uncertain significance. Review status: criteria provided, multiple submitters, no conflicts (2 of 4 stars). 2 submissions from 2 submitters: Uncertain significance (2). Last evaluated 2025-05-03.

Conditions:
Severe combined immunodeficiency due to LCK deficiency. Also called: Immunodeficiency 22. Identifiers: Orphanet 280142, MedGen C4014233, MONDO:0014334, OMIM 615758.

Allele frequency attached by ClinVar (database versions not stated): gnomAD exomes below 0.00001.
gnomAD v4.1: 1 of 1,613,996 alleles (0.000062%); highest among the groups gnomAD compares: Non-Finnish European, 0.000085%; no homozygotes.

Submissions (2):

Ambry Genetics
Classification: Uncertain significance. Last evaluated: 2025-05-03. Review status: criteria provided, single submitter. Criteria: Ambry Variant Classification Scheme 2023. Collection method: clinical testing. Allele origin: germline.

Labcorp Genetics (formerly Invitae), Labcorp
Classification: Uncertain significance for Severe combined immunodeficiency due to LCK deficiency. Last evaluated: 2022-05-19. Review status: criteria provided, single submitter. Criteria: Invitae Variant Classification Sherloc (09022015). Collection method: clinical testing. Allele origin: germline.
Comment: This sequence change replaces arginine, which is basic and polar, with proline, which is neutral and non-polar, at codon 196 of the LCK protein (p.Arg196Pro). In summary, the available evidence is currently insufficient to determine the role of this variant in disease. Therefore, it has been classified as a Variant of Uncertain Significance. Algorithms developed to predict the effect of missense changes on protein structure and function (SIFT, PolyPhen-2, Align-GVGD) all suggest that this variant is likely to be disruptive. This variant has not been reported in the literature in individuals affected with LCK-related conditions. This variant is not present in population databases (gnomAD no frequency).